The following is an entry in ClinVar:

NM_000053.4(ATP7B):c.4208A>G (p.His1403Arg)

Gene: ATP7B (ATPase copper transporting beta; minus strand). Cytogenetic location: 13q14.3.
Variant type: single nucleotide variant.
Coding change: c.4208A>G on transcript NM_000053.4 (MANE Select); coding-DNA position 4208, A replaced by G.
Protein change: p.His1403Arg; replaces histidine 1403 with arginine.
Molecular consequence: missense variant.
Genome position (GRCh38, 1-based): chr13:51,934,946, T>C on the plus strand (A>G on the coding strand, the complement: ATP7B is on the minus strand). VCF-style: chr13-51934946-T-C. GRCh37 (hg19) VCF-style: chr13-52509082-T-C.
Other names: c.3587A>G, p.His1196Arg (NM_001005918.3); c.3875A>G, p.His1292Arg (NM_001243182.2); c.3974A>G, p.His1325Arg (NM_001330578.2, NM_001406527.1, NM_001406528.1); c.3956A>G, p.His1319Arg (NM_001330579.2, NM_001406531.1, NM_001406532.1); c.4208A>G, p.His1403Arg (NM_001406511.1, NM_001406512.1); c.4202A>G, p.His1401Arg (NM_001406513.1); c.4175A>G, p.His1392Arg (NM_001406514.1); c.4154A>G, p.His1385Arg (NM_001406515.1, NM_001406516.1); and 21 more; short protein forms H1122R, H1176R, H1187R, H1196R, H1209R, H1239R, H1241R, H1254R.
Identifiers: ClinVar variation 3075573 (VCV003075573.1), dbSNP rs1251607436, ClinGen allele CA388019582.

ClinVar aggregate classification (germline): Uncertain significance (1 of 4 stars; one submission).

Conditions:
Wilson disease (WND). Also called: Wilson's disease. Identifiers: Orphanet 905, MedGen C0019202, MONDO:0010200, OMIM 277900. Disease mechanism: loss of function.

Submission:

All of Us Research Program, National Institutes of Health
Classification: Uncertain significance for Wilson disease. Last evaluated: 2023-12-18. Review status: criteria provided, single submitter. Criteria: ACMG Guidelines, 2015. Collection method: clinical testing. Allele origin: germline. Inheritance: Autosomal recessive inheritance. Observed: 2 variant alleles, 2 heterozygotes.
Comment: This missense variant replaces histidine with arginine at codon 1403 of the ATP7B protein. Computational prediction suggests that this variant may not impact protein structure and function (internally defined REVEL score threshold <= 0.5, PMID: 27666373). To our knowledge, functional studies have not been reported for this variant. This variant has not been reported in individuals affected with Wilson disease in the literature. This variant has not been identified in the general population by the Genome Aggregation Database (gnomAD). The available evidence is insufficient to determine the role of this variant in disease conclusively. Therefore, this variant is classified as a Variant of Uncertain Significance.

This study involves interpretation of variants in research participants for the purpose of population health screening. Participant phenotype was not available at the time of variant classification. Additional details can be found in publication PMID: 35346344, PMCID: PMC8962531